The following is an entry in ClinVar:

ClinVar aggregate classification (germline): Likely pathogenic (1 of 4 stars; one submission).

Conditions:
Polycystic kidney disease 6 with or without polycystic liver disease. Also called: Autosomal Dominant Polycystic Kidney Disease-DNAJB11. Identifiers: MedGen C4748044, MONDO:0054842, OMIM 618061.

Submission:

MVZ Medizinische Genetik Mainz
Classification: Likely pathogenic for Polycystic kidney disease 6 with or without polycystic liver disease. Last evaluated: 2024-09-06. Review status: criteria provided, single submitter. Criteria: UK Practice Guidelines For Variant Classification V4 01 2020. Collection method: clinical testing. Allele origin: germline. Inheritance: Autosomal dominant inheritance. Affected: yes. Observed: 1 variant allele.
Comment: ACMG Criteria: PVS1,PM2_SUP

NM_016306.6(DNAJB11):c.763_767del (p.Arg254_Gly255insTer)

Gene: DNAJB11 (DnaJ heat shock protein family (Hsp40) member B11; plus strand). Cytogenetic location: 3q27.3.
Variant type: Microsatellite.
Coding change: c.763_767del on transcript NM_016306.6 (MANE Select); coding-DNA positions 763 to 767, 5 bases deleted (GGAGA; older notation c.763_767delGGAGA).
Protein change: p.Arg254_Gly255insTer.
Molecular consequence: nonsense. On other transcripts: non-coding transcript variant (5).
Genome position (GRCh38, 1-based): chr3:186,583,887-186,583,891, GGAGA deleted; deleting any 5 consecutive bases within chr3:186,583,881-186,583,891 gives the same sequence; the c. name uses the placement nearest the transcript's 3' end. VCF-style (leftmost placement, unchanged base first): chr3-186583880-AAGGAG-A. GRCh37 (hg19) VCF-style: chr3-186301669-AAGGAG-A.
Other names: c.487_491del, p.Arg162_Gly163insTer (NM_001378451.1).
Identifiers: ClinVar variation 3342267 (VCV003342267.1).